The following is an entry in ClinVar:

NM_001297.5(CNGB1):c.3131_3149del (p.Ala1044fs)

Gene: CNGB1 (cyclic nucleotide gated channel subunit beta 1; minus strand). Cytogenetic location: 16q21.
Variant type: Deletion.
Coding change: c.3131_3149del on transcript NM_001297.5 (MANE Select); coding-DNA positions 3131 to 3149, 19 bases deleted (CCAACGTGGTGGCGCACGG).
Protein change: p.Ala1044fs; shifts the reading frame from alanine 1044.
Molecular consequence: frameshift variant.
Genome position (GRCh38, 1-based): chr16:57,897,490-57,897,508, CCGTGCGCCACCACGTTGG deleted on the plus strand (CCAACGTGGTGGCGCACGG on the coding strand, the reverse complement: CNGB1 is on the minus strand); deleting any 19 consecutive bases within chr16:57,897,490-57,897,517 gives the same sequence; the c. name uses the placement nearest the transcript's 3' end. VCF-style (leftmost placement, unchanged base first): chr16-57897489-CCCGTGCGCCACCACGTTGG-C. GRCh37 (hg19) VCF-style: chr16-57931393-CCCGTGCGCCACCACGTTGG-C.
Other names: c.3113_3131del, p.Ala1038fs (NM_001286130.2); short protein forms A1038fs, A1044fs.
Identifiers: ClinVar variation 866991 (VCV000866991.11), dbSNP rs1365926616, ClinGen allele CA622680642.

ClinVar aggregate classification (germline): Pathogenic. Review status: criteria provided, multiple submitters, no conflicts (2 of 4 stars). 5 submissions from 5 submitters: Pathogenic (5). Last evaluated 2025-03-17.

Conditions:
Retinal dystrophy. Also called: Inherited retinal dystrophy. Identifiers: Orphanet 71862, MedGen C0854723, MeSH D058499, MONDO:0019118, HP:0000556.
CNGB1-related disorder. Also called: CNGB1-related condition.
Retinitis pigmentosa 45 (RP45). Identifiers: Orphanet 791, MedGen C3151066, MONDO:0013413, OMIM 613767.

Submissions (5):

Labcorp Genetics (formerly Invitae), Labcorp
Classification: Pathogenic. Last evaluated: 2025-03-17. Review status: criteria provided, single submitter. Criteria: Invitae Variant Classification Sherloc (09022015). Collection method: clinical testing. Allele origin: germline.
Comment: This sequence change creates a premature translational stop signal (p.Ala1044Glyfs*13) in the CNGB1 gene. It is expected to result in an absent or disrupted protein product. Loss-of-function variants in CNGB1 are known to be pathogenic (PMID: 15557452, 24043777). This variant is present in population databases (no rsID available, gnomAD 0.003%). This variant has not been reported in the literature in individuals affected with CNGB1-related conditions. ClinVar contains an entry for this variant (Variation ID: 866991). For these reasons, this variant has been classified as Pathogenic.

Fulgent Genetics
Classification: Pathogenic for Retinitis pigmentosa 45. Last evaluated: 2024-02-15. Review status: criteria provided, single submitter. Criteria: ACMG Guidelines, 2015. Collection method: clinical testing. Allele origin: germline.

Blueprint Genetics
Classification: Pathogenic for CNGB1-related disorders. Last evaluated: 2023-11-13. Review status: criteria provided, single submitter. Criteria: ACMG Guidelines, 2015. Collection method: clinical testing. Allele origin: germline. Affected: yes. Observed: 5 variant alleles.

Institute of Human Genetics, Univ. Regensburg, Univ. Regensburg
Classification: Pathogenic for Retinal dystrophy. Last evaluated: 2022-01-01. Review status: criteria provided, single submitter. Criteria: ACMG Guidelines, 2015. Collection method: clinical testing. Allele origin: germline. Affected: yes.

Ocular Genomics Institute, Massachusetts Eye and Ear
Classification: Pathogenic for Retinitis pigmentosa 45. Last evaluated: 2021-04-08. Review status: criteria provided, single submitter. Criteria: ACMG Guidelines, 2015. Collection method: research. Allele origin: germline. Affected: yes.
Comment: Through a review of available evidence we were able to apply the following criteria: PVS1, PM2, PM3. Based on this evidence we have classified this variant as Pathogenic.

Literature cited by the submitters: PubMed 15557452 (cited by Labcorp Genetics (formerly Invitae), Labcorp); PubMed 24043777 (cited by Labcorp Genetics (formerly Invitae), Labcorp); PubMed 33847019 (cited by Institute of Human Genetics, Univ. Regensburg, Univ. Regensburg); PubMed 3196484 (cited by Institute of Human Genetics, Univ. Regensburg, Univ. Regensburg).